The following is an entry in ClinVar:

ClinVar aggregate classification (germline): Uncertain significance (1 of 4 stars; one submission).

Conditions:
Inborn genetic diseases. Identifiers: MedGen C0950123, MeSH D030342.

gnomAD v4.1: 42 of 1,612,382 alleles (0.0026%); highest among the groups gnomAD compares: South Asian, 0.018%; no homozygotes.

Submission:

Ambry Genetics
Classification: Uncertain significance for Inborn genetic diseases. Last evaluated: 2026-05-26. Review status: criteria provided, single submitter. Criteria: Ambry Variant Classification Scheme 2023. Collection method: clinical testing. Allele origin: germline.
Comment: The c.751G>A (p.A251T) alteration is located in exon 8 (coding exon 8) of the COG6 gene. This alteration results from a G to A substitution at nucleotide position 751, causing the alanine (A) at amino acid position 251 to be replaced by a threonine (T). Based on data from gnomAD, the A allele has an overall frequency of 0.003% (7/251296) total alleles studied. The highest observed frequency was 0.007% (2/30600) of South Asian alleles. Based on insufficient or conflicting evidence, the clinical significance of this alteration remains unclear.

NM_020751.3(COG6):c.751G>A (p.Ala251Thr)

Gene: COG6 (component of oligomeric golgi complex 6; plus strand). Cytogenetic location: 13q14.11.
Variant type: single nucleotide variant.
Coding change: c.751G>A on transcript NM_020751.3 (MANE Select); coding-DNA position 751, G replaced by A.
Protein change: p.Ala251Thr; replaces alanine 251 with threonine.
Molecular consequence: missense variant. On other transcripts: non-coding transcript variant (1).
Genome position (GRCh38, 1-based): chr13:39,682,227, G>A. VCF-style: chr13-39682227-G-A. GRCh37 (hg19) VCF-style: chr13-40256364-G-A.
Other names: c.751G>A, p.Ala251Thr (NM_001145079.2); short protein forms A251T.
Identifiers: ClinVar variation 4869065 (VCV004869065.1).
Genomic context (GRCh38, chr13:39,682,227, plus strand): 5'-TCAGGTGAATGCAGAACATTGACACAAGAATCATGTGACGTATCTCCAGTATTGACACAG[G>A]CAATGGAAGCCCTGCAGGACAGACCTGTCTTATATAAGTTGGTGACTTTTTCTTAATTAA-3'
Protein context (NP_065802.1, residues 241-261): SCDVSPVLTQ[Ala251Thr]MEALQDRPVL